The following is an entry in ClinVar:

NM_000396.4(CTSK):c.905G>A (p.Trp302Ter)

Gene: CTSK (cathepsin K; minus strand). Cytogenetic location: 1q21.3.
Variant type: single nucleotide variant.
Coding change: c.905G>A on transcript NM_000396.4 (MANE Select); coding-DNA position 905, G replaced by A.
Protein change: p.Trp302Ter; replaces tryptophan 302 with a stop codon.
Molecular consequence: nonsense.
Genome position (GRCh38, 1-based): chr1:150,796,884, C>T on the plus strand (G>A on the coding strand, the complement: CTSK is on the minus strand). VCF-style: chr1-150796884-C-T. GRCh37 (hg19) VCF-style: chr1-150769360-C-T.
Other names: short protein forms W302*.
Identifiers: ClinVar variation 684727 (VCV000684727.11), dbSNP rs1571122183, ClinGen allele CA342335638.

ClinVar aggregate classification (germline): Pathogenic. Review status: criteria provided, multiple submitters, no conflicts (2 of 4 stars). 4 submissions from 3 submitters: Pathogenic (2). 2 of the submissions do not count toward it. Last evaluated 2023-09-20.

Conditions:
Macrocephaly. Also called: large head; Macrocephalus. Identifiers: MedGen C2243051, HP:0000256.
Skeletal dysplasia. Also called: Primary bone dysplasia. Identifiers: Orphanet 364526, MedGen C0410528, MONDO:0018230, HP:0002652.
Increased susceptibility to fractures. Also called: Bone fragility. Identifiers: MedGen C1390474, HP:0002659.
Nail dysplasia. Identifiers: MedGen C1834405, HP:0002164.
Delayed cranial suture closure. Identifiers: MedGen C0277828, HP:0000270.
Short stature. Identifiers: MedGen C0349588, HP:0004322.
Short phalanx of finger. Identifiers: MedGen C0877165, HP:0009803.
Scoliosis. Identifiers: MedGen C0036439, MONDO:0005392, HP:0002650.
Thoracic scoliosis. Identifiers: MedGen C1857790, HP:0002943.
Obtuse angle of mandible. Identifiers: MedGen C4038738, HP:0005446.
Enamel hypoplasia. Also called: Hypoplasia of dental enamel; Dental enamel hypoplasia. Identifiers: MedGen C0011351, MONDO:0004038, HP:0006297.
Short finger. Also called: Short fingers. Identifiers: MedGen C1844548, HP:0009381.
Delayed closure of the anterior fontanelle. Identifiers: MedGen C3840083, HP:0001476.
Periodontitis. Identifiers: MedGen C0031099, MONDO:0005076, HP:0000704.
Abnormal cranial suture/fontanelle morphology. Also called: Abnormality of the fontanelles or cranial sutures. Identifiers: MedGen C4025876, HP:0000235.
Abnormal skull morphology. Also called: Abnormality of the skull. Identifiers: MedGen C0235942, HP:0000929.
Dental crowding. Identifiers: MedGen C0040433, HP:0000678.
Midface retrusion. Identifiers: MedGen C1853242, HP:0011800.
Pyknodysostosis. Also called: Pycnodysostosis. Identifiers: Orphanet 763, MedGen C0238402, MONDO:0009940, OMIM 265800.

Allele frequency attached by ClinVar (database versions not stated): TOPMed 0.00001; gnomAD exomes below 0.00001; gnomAD 0.00001.
gnomAD v4.1: 3 of 1,613,464 alleles (0.00019%); highest among the groups gnomAD compares: Non-Finnish European, 0.00025%; no homozygotes.

Submissions (4):

Baylor Genetics
Classification: Pathogenic for Pyknodysostosis. Last evaluated: 2023-09-20. Review status: criteria provided, single submitter. Criteria: ACMG Guidelines, 2015. Collection method: clinical testing. Allele origin: unknown.

Labcorp Genetics (formerly Invitae), Labcorp
Classification: Pathogenic. Last evaluated: 2022-01-26. Review status: criteria provided, single submitter. Criteria: Invitae Variant Classification Sherloc (09022015). Collection method: clinical testing. Allele origin: germline.
Comment: This sequence change creates a premature translational stop signal (p.Trp302*) in the CTSK gene. While this is not anticipated to result in nonsense mediated decay, it is expected to disrupt the last 28 amino acid(s) of the CTSK protein. This variant is not present in population databases (gnomAD no frequency). This premature translational stop signal has been observed in individual(s) with pycnodysostosis (PMID: 31944631). ClinVar contains an entry for this variant (Variation ID: 684727). This variant disrupts a region of the CTSK protein in which other variant(s) (p.Arg312*) have been determined to be pathogenic (PMID: 24767306; Invitae). This suggests that this is a clinically significant region of the protein, and that variants that disrupt it are likely to be disease-causing. For these reasons, this variant has been classified as Pathogenic.

Human Genetics Department, Tarbiat Modares University
Classification: Pathogenic for Delayed cranial suture closure; Macrocephaly; Short phalanx of finger; Nail dysplasia; Increased susceptibility to fractures; Scoliosis; Skeletal dysplasia; Short stature. Review status: no assertion criteria provided. Collection method: clinical testing. Allele origin: inherited. Inheritance: Autosomal recessive inheritance. Affected: yes. Observed: 1 homozygote. Not counted in ClinVar's aggregate classification.

Human Genetics Department, Tarbiat Modares University
Classification: Uncertain significance for Enamel hypoplasia; Abnormal cranial suture/fontanelle morphology; Abnormal skull morphology; Delayed closure of the anterior fontanelle; Dental crowding; Midface retrusion; Macrocephaly; Obtuse angle of mandible; Periodontitis; Short finger; Nail dysplasia; Increased susceptibility to fractures; Skeletal dysplasia; Thoracic scoliosis; Short stature. Review status: no assertion criteria provided. Collection method: clinical testing. Allele origin: inherited. Inheritance: Autosomal recessive inheritance. Affected: yes. Observed: 1 homozygote. Not counted in ClinVar's aggregate classification.

Literature cited by the submitters: PubMed 31944631 (cited by Labcorp Genetics (formerly Invitae), Labcorp); PubMed 24767306 (cited by Labcorp Genetics (formerly Invitae), Labcorp).